The following is an entry in ClinVar:

ClinVar aggregate classification (germline): Uncertain significance (1 of 4 stars; one submission).

Allele frequency attached by ClinVar (database versions not stated): gnomAD exomes below 0.00001.

Submission:

Labcorp Genetics (formerly Invitae), Labcorp
Classification: Uncertain significance. Last evaluated: 2023-09-15. Review status: criteria provided, single submitter. Criteria: Invitae Variant Classification Sherloc (09022015). Collection method: clinical testing. Allele origin: germline.
Comment: This sequence change replaces histidine, which is basic and polar, with glutamine, which is neutral and polar, at codon 55 of the WDR26 protein (p.His55Gln). This variant is not present in population databases (gnomAD no frequency). This variant has not been reported in the literature in individuals affected with WDR26-related conditions. An algorithm developed to predict the effect of missense changes on protein structure and function (PolyPhen-2) suggests that this variant is likely to be tolerated. In summary, the available evidence is currently insufficient to determine the role of this variant in disease. Therefore, it has been classified as a Variant of Uncertain Significance.

NM_001379403.1(WDR26):c.465C>A (p.His155Gln)

Gene: WDR26 (WD repeat domain 26; minus strand). Cytogenetic location: 1q42.12.
Variant type: single nucleotide variant.
Coding change: c.465C>A on transcript NM_001379403.1 (MANE Select); coding-DNA position 465, C replaced by A.
Protein change: p.His155Gln; replaces histidine 155 with glutamine.
Molecular consequence: missense variant.
Genome position (GRCh38, 1-based): chr1:224,433,941, G>T on the plus strand (C>A on the coding strand, the complement: WDR26 is on the minus strand). VCF-style: chr1-224433941-G-T. GRCh37 (hg19) VCF-style: chr1-224621643-G-T.
Other names: c.165C>A, p.His55Gln (NM_025160.7, NM_001115113.3); short protein forms H155Q, H55Q.
Identifiers: ClinVar variation 2760999 (VCV002760999.3), dbSNP rs1435700211, ClinGen allele CA344752581.